The following is an entry in ClinVar:

ClinVar aggregate classification (germline): Uncertain significance. Review status: criteria provided, multiple submitters, no conflicts (2 of 4 stars). 3 submissions from 3 submitters: Uncertain significance (2). 1 of the submissions does not count toward it. Last evaluated 2025-11-12.

Conditions:
Cohen syndrome (COH1). Also called: PEPPER SYNDROME; Cutis verticis gyrata, retinitis pigmentosa, and sensorineural deafness. Identifiers: Orphanet 193, MedGen C0265223, MONDO:0008999, OMIM 216550.
VPS13B-related disorder. Also called: VPS13B-related condition.
Inborn genetic diseases. Identifiers: MedGen C0950123, MeSH D030342.

Allele frequency attached by ClinVar (database versions not stated): gnomAD 0.00001; TOPMed 0.00003; gnomAD exomes 0.00004; ESP Exome Variant Server 0.00008.
gnomAD v4.1: 58 of 1,613,840 alleles (0.0036%); highest among the groups gnomAD compares: Non-Finnish European, 0.0045%; no homozygotes.

Submissions (3):

Ambry Genetics
Classification: Uncertain significance for Inborn genetic diseases. Last evaluated: 2025-11-12. Review status: criteria provided, single submitter. Criteria: Ambry Variant Classification Scheme 2023. Collection method: clinical testing. Allele origin: germline.

Labcorp Genetics (formerly Invitae), Labcorp
Classification: Uncertain significance for Cohen syndrome. Last evaluated: 2022-05-29. Review status: criteria provided, single submitter. Criteria: Invitae Variant Classification Sherloc (09022015). Collection method: clinical testing. Allele origin: germline.
Comment: This sequence change replaces glutamine, which is neutral and polar, with arginine, which is basic and polar, at codon 2387 of the VPS13B protein (p.Gln2387Arg). This variant is present in population databases (rs148385830, gnomAD 0.002%). This variant has not been reported in the literature in individuals affected with VPS13B-related conditions. Algorithms developed to predict the effect of missense changes on protein structure and function are either unavailable or do not agree on the potential impact of this missense change (SIFT: "Not Available"; PolyPhen-2: "Benign"; Align-GVGD: "Not Available"). In summary, the available evidence is currently insufficient to determine the role of this variant in disease. Therefore, it has been classified as a Variant of Uncertain Significance.

PreventionGenetics, part of Exact Sciences
Classification: Uncertain significance for VPS13B-related condition. Last evaluated: 2024-09-25. Review status: no assertion criteria provided. Collection method: clinical testing. Allele origin: germline. Not counted in ClinVar's aggregate classification.
Comment: The VPS13B c.7085A>G variant is predicted to result in the amino acid substitution p.Gln2362Arg. To our knowledge, this variant has not been reported in the literature. This variant is reported in 0.0018% of alleles in individuals of European (Non-Finnish) descent in gnomAD. At this time, the clinical significance of this variant is uncertain due to the absence of conclusive functional and genetic evidence.

NM_152564.5(VPS13B):c.7085A>G (p.Gln2362Arg)

Gene: VPS13B (vacuolar protein sorting 13 homolog B; plus strand). Cytogenetic location: 8q22.2.
Variant type: single nucleotide variant.
Coding change: c.7085A>G on transcript NM_152564.5 (MANE Select); coding-DNA position 7085, A replaced by G.
Protein change: p.Gln2362Arg; replaces glutamine 2362 with arginine.
Molecular consequence: missense variant.
Genome position (GRCh38, 1-based): chr8:99,766,808, A>G. VCF-style: chr8-99766808-A-G. GRCh37 (hg19) VCF-style: chr8-100779036-A-G.
Other names: c.7160A>G, p.Gln2387Arg (NM_017890.5); short protein forms Q2387R, Q2362R.
Identifiers: ClinVar variation 1757440 (VCV001757440.6), dbSNP rs148385830, ClinGen allele CA183039743.
Genomic context (GRCh38, chr8:99,766,808, plus strand): 5'-TCTAAATTTTTTTTATTTTAACATAGGTTCCTTGTAGCTTGGAATACTGGGATGAACTCC[A>G]GAAGGTTTTTGTTGCATTTAGAGAATTTAATCTGTCTGAAAGCAAAGTTTGTGAACTGCA-3'
Protein context (NP_689777.3, residues 2352-2372): PCSLEYWDEL[Gln2362Arg]KVFVAFREFN